The following is an entry in ClinVar:

ClinVar aggregate classification (germline): Benign/Likely benign. Review status: criteria provided, multiple submitters, no conflicts (2 of 4 stars). 6 submissions from 6 submitters: Benign (1); Likely benign (5). Last evaluated 2024-10-10.

Conditions:
Hereditary cancer-predisposing syndrome. Also called: Neoplastic Syndromes, Hereditary; Hereditary Cancer Syndrome; Tumor predisposition; Hereditary neoplastic syndrome. Identifiers: Orphanet 140162, MedGen C0027672, MeSH D009386, MONDO:0015356.
Ataxia-telangiectasia syndrome (AT). Also called: LOUIS-BAR SYNDROME; Cerebello-oculocutaneous telangiectasia; Immunodeficiency with ataxia telangiectasia; Ataxia-telangiectasia, complementation group D; AT, COMPLEMENTATION GROUP C; Ataxia-telangiectasia, complementation group E. Identifiers: Orphanet 100, MedGen C0004135, MONDO:0008840, OMIM 208900.
Familial cancer of breast. Also called: Hereditary breast cancer; BREAST CANCER, FAMILIAL; hereditary breast carcinoma. Identifiers: Orphanet 227535, MedGen C0346153, MONDO:0016419, OMIM 114480. Disease mechanism: loss of function.

gnomAD v4.1: 7 of 1,614,010 alleles (0.00043%); highest among the groups gnomAD compares: East Asian, 0.016%; no homozygotes.

Submissions (6):

Labcorp Genetics (formerly Invitae), Labcorp
Classification: Likely benign for Ataxia-telangiectasia syndrome. Last evaluated: 2024-10-10. Review status: criteria provided, single submitter. Criteria: Invitae Variant Classification Sherloc (09022015). Collection method: clinical testing. Allele origin: germline.

Women's Health and Genetics/Laboratory Corporation of America, LabCorp
Classification: Likely benign. Last evaluated: 2024-09-09. Review status: criteria provided, single submitter. Criteria: LabCorp Variant Classification Summary - May 2015. Collection method: clinical testing. Allele origin: germline.

Myriad Genetics, Inc.
Classification: Benign for Familial cancer of breast. Last evaluated: 2024-06-20. Review status: criteria provided, single submitter. Criteria: Myriad Autosomal Dominant, Autosomal Recessive and X-Linked Classification Criteria (2023). Collection method: clinical testing. Allele origin: unknown.
Comment: This variant is considered benign. This variant is a silent/synonymous amino acid change and it is not expected to impact splicing.

Color Diagnostics, LLC DBA Color Health
Classification: Likely benign for Hereditary cancer-predisposing syndrome. Last evaluated: 2017-09-07. Review status: criteria provided, single submitter. Criteria: ACMG Guidelines, 2015. Collection method: clinical testing. Allele origin: germline.

Ambry Genetics
Classification: Likely benign for Hereditary cancer-predisposing syndrome. Last evaluated: 2017-07-13. Review status: criteria provided, single submitter. Criteria: Ambry Variant Classification Scheme 2023. Collection method: clinical testing. Allele origin: germline.

GeneDx
Classification: Likely benign. Last evaluated: 2016-07-21. Review status: criteria provided, single submitter. Criteria: GeneDx Variant Classification (06012015). Collection method: clinical testing. Allele origin: germline. Affected: yes.
Comment: This variant is considered likely benign or benign based on one or more of the following criteria: it is a conservative change, it occurs at a poorly conserved position in the protein, it is predicted to be benign by multiple in silico algorithms, and/or has population frequency not consistent with disease.

NM_000051.4(ATM):c.8733C>A (p.Thr2911=)

Genes: ATM (ATM serine/threonine kinase; plus strand), C11orf65 (chromosome 11 open reading frame 65; minus strand). Cytogenetic location: 11q22.3.
Variant type: single nucleotide variant.
Coding change: c.8733C>A on transcript NM_000051.4 (MANE Select); coding-DNA position 8733, C replaced by A.
Protein change: p.Thr2911=; no amino-acid change (threonine 2911 retained).
Molecular consequence: synonymous variant. On other transcripts: intron variant (2).
Genome position (GRCh38, 1-based): chr11:108,353,827, C>A. VCF-style: chr11-108353827-C-A. GRCh37 (hg19) VCF-style: chr11-108224554-C-A.
Other names: c.640+32093G>T (NM_001330368.2); c.695-18535G>T (NM_001351110.2); c.8733C>A, p.Thr2911= (NM_001351834.2).
Identifiers: ClinVar variation 388130 (VCV000388130.20), dbSNP rs1057523011, ClinGen allele CA16606857.